The following is an entry in ClinVar:

NM_000135.4(FANCA):c.2778+10C>T

Gene: FANCA (FA complementation group A; minus strand). Cytogenetic location: 16q24.3.
Variant type: single nucleotide variant.
Coding change: c.2778+10C>T on transcript NM_000135.4 (MANE Select); 10 bases into the intron after coding-DNA position 2778, C replaced by T.
Molecular consequence: intron variant.
Genome position (GRCh38, 1-based): chr16:89,764,880, G>A on the plus strand (C>T on the coding strand, the complement: FANCA is on the minus strand). VCF-style: chr16-89764880-G-A. GRCh37 (hg19) VCF-style: chr16-89831288-G-A.
Other names: c.2778+10C>T (LRG_495t1, NM_001286167.3, NM_000135.3).
Identifiers: ClinVar variation 321344 (VCV000321344.20), dbSNP rs371786839, ClinGen allele CA8251569.
Genomic context (GRCh38, chr16:89,764,880, plus strand): 5'-TGCCCGAGGAGCACACACAAACCCTAGACTCAGGACGTGGCATGATGCAGGAGAAGGAAC[G>A]GTCACCTACGTGAACATCTTCCTCTTTCAACACCTCTCGGAAGGTTCTGTGTGTCCAGAG-3'

ClinVar aggregate classification (germline): Conflicting classifications of pathogenicity. Review status: criteria provided, conflicting classifications (1 of 4 stars). 6 submissions from 6 submitters: Uncertain significance (1); Likely benign (4). 1 of the submissions does not count toward it. Last evaluated 2025-12-16.

Conditions:
Fanconi anemia complementation group A (FANCA). Also called: Fanconi anemia, group A; FANCA-Related Fanconi Anemia. Identifiers: Orphanet 84, MedGen C3469521, MONDO:0009215, OMIM 227650.
Fanconi anemia (FA). Also called: Fanconi's anemia. Identifiers: Orphanet 84, MedGen C0015625, MeSH D005199, MONDO:0019391.

Allele frequency attached by ClinVar (database versions not stated): gnomAD exomes 0.00004; TOPMed 0.00004; gnomAD 0.00005; ExAC 0.00007; ESP Exome Variant Server 0.00008.

Submissions (6):

Labcorp Genetics (formerly Invitae), Labcorp
Classification: Likely benign for Fanconi anemia. Last evaluated: 2025-12-16. Review status: criteria provided, single submitter. Criteria: Invitae Variant Classification Sherloc (09022015). Collection method: clinical testing. Allele origin: germline.

Women's Health and Genetics/Laboratory Corporation of America, LabCorp
Classification: Likely benign. Last evaluated: 2025-11-10. Review status: criteria provided, single submitter. Criteria: LabCorp Variant Classification Summary - May 2015. Collection method: clinical testing. Allele origin: germline.
Comment: Variant summary: FANCA c.2778+10C>T alters a nucleotide located at a position not widely known to affect splicing. Consensus agreement among computation tools predict no significant impact on normal splicing. However, these predictions have yet to be confirmed by functional studies. The variant allele was found at a frequency of 4.4e-05 in 251386 control chromosomes (gnomAD). This frequency is not significantly higher than estimated for disease-causing variants in FANCA, allowing no conclusion about variant significance. To our knowledge, no occurrence of c.2778+10C>T in individuals affected with FANCA-related conditions and no experimental evidence demonstrating its impact on protein function have been reported. ClinVar contains an entry for this variant (Variation ID: 321344). Based on the evidence outlined above, the variant was classified as likely benign.

Quest Diagnostics Nichols Institute San Juan Capistrano
Classification: Likely benign. Last evaluated: 2024-12-27. Review status: criteria provided, single submitter. Criteria: Quest Diagnostics criteria. Collection method: clinical testing. Allele origin: unknown.

Blueprint Genetics
Classification: Likely benign. Last evaluated: 2021-10-19. Review status: criteria provided, single submitter. Criteria: ACMG Guidelines, 2015. Collection method: clinical testing. Allele origin: germline.

Illumina Laboratory Services, Illumina
Classification: Uncertain significance for Fanconi anemia complementation group A. Last evaluated: 2018-01-13. Review status: criteria provided, single submitter. Criteria: ICSL Variant Classification Criteria 13 December 2019. Collection method: clinical testing. Allele origin: germline.

Leiden Open Variation Database
Classification: Pathogenic. Last evaluated: 2020-02-28. Review status: no assertion criteria provided. Collection method: curation. Allele origin: germline. Affected: yes. Not counted in ClinVar's aggregate classification.
Comment: Curator: Arleen D. Auerbach. Submitter to LOVD: Johan den Dunnen.

Literature cited by the submitters: PubMed 37901334 (cited by Quest Diagnostics Nichols Institute San Juan Capistrano); PubMed 35807022 (cited by Quest Diagnostics Nichols Institute San Juan Capistrano); PubMed 25533962 (cited by Leiden Open Variation Database).